The following is an entry in ClinVar:

NM_000444.6(PHEX):c.455dup (p.Asp152fs)

Gene: PHEX (phosphate regulating endopeptidase X-linked; plus strand). Cytogenetic location: Xp22.11.
Variant type: Duplication.
Coding change: c.455dup on transcript NM_000444.6 (MANE Select); coding-DNA position 455, one base duplicated (A; older notation c.455dupA).
Protein change: p.Asp152fs; shifts the reading frame from aspartic acid 152.
Molecular consequence: frameshift variant.
Genome position (GRCh38, 1-based): chrX:22,077,494, A duplicated. VCF-style (leftmost placement, unchanged base first): chrX-22077493-G-GA. GRCh37 (hg19) VCF-style: chrX-22095611-G-GA.
Other names: c.455dup, p.Asp152fs (NM_001282754.2); c.455dupA (NM_000444.6); short protein forms D152fs.
Identifiers: ClinVar variation 1075001 (VCV001075001.8), dbSNP rs2147020395, ClinGen allele CA2499226564.

ClinVar aggregate classification (germline): Pathogenic. Review status: criteria provided, multiple submitters, no conflicts (2 of 4 stars). 2 submissions from 2 submitters: Pathogenic (2). Last evaluated 2026-02-13.

Conditions:
Familial X-linked hypophosphatemic vitamin D refractory rickets (XLHRD). Also called: X-Linked Hypophosphatemia; Hypophosphatemic Rickets, X-Linked Dominant; Hypophosphatemia, vitamin D-resistant rickets; Vitamin D-resistant rickets, X-linked; HYPOPHOSPHATEMIC VITAMIN D-RESISTANT RICKETS. Identifiers: Orphanet 89936, MedGen C0733682, MONDO:0010619, OMIM 307800.

Submissions (2):

Women's Health and Genetics/Laboratory Corporation of America, LabCorp
Classification: Pathogenic for Familial X-linked hypophosphatemic vitamin D refractory rickets. Last evaluated: 2026-02-13. Review status: criteria provided, single submitter. Criteria: LabCorp Variant Classification Summary - May 2015. Collection method: clinical testing. Allele origin: germline.
Comment: Variant summary: PHEX c.455dupA (p.Asp152GlufsX20) results in a premature termination codon, predicted to cause absence of the protein due to nonsense mediated decay, which is a commonly known mechanism for disease. The variant was absent in 183115 control chromosomes. c.455dupA has been observed in individuals affected with X-Linked Hypophosphatemic Rickets (examples, Rush_2021, Sarafrazi_2022). These data indicate that the variant may be associated with disease. To our knowledge, no experimental evidence demonstrating an impact on protein function has been reported. The following publications have been ascertained in the context of this evaluation (PMID: 34633109, 34806794). ClinVar contains an entry for this variant (Variation ID: 1075001). Based on the evidence outlined above, the variant was classified as pathogenic.

Labcorp Genetics (formerly Invitae), Labcorp
Classification: Pathogenic. Last evaluated: 2020-02-14. Review status: criteria provided, single submitter. Criteria: Invitae Variant Classification Sherloc (09022015). Collection method: clinical testing. Allele origin: germline.
Comment: This sequence change creates a premature translational stop signal (p.Asp152Glufs*20) in the PHEX gene. It is expected to result in an absent or disrupted protein product. This variant is not present in population databases (ExAC no frequency). This variant has not been reported in the literature in individuals with PHEX-related conditions. Loss-of-function variants in PHEX are known to be pathogenic (PMID: 9097956, 9106524, 19219621). For these reasons, this variant has been classified as Pathogenic.

Literature cited by the submitters: PubMed 34633109 (cited by Women's Health and Genetics/Laboratory Corporation of America, LabCorp); PubMed 34806794 (cited by Women's Health and Genetics/Laboratory Corporation of America, LabCorp); PubMed 9097956 (cited by Labcorp Genetics (formerly Invitae), Labcorp); PubMed 9106524 (cited by Labcorp Genetics (formerly Invitae), Labcorp); PubMed 19219621 (cited by Labcorp Genetics (formerly Invitae), Labcorp).